The following continues an entry in ClinVar:

NM_000238.4(KCNH2):c.1591C>T (p.Arg531Trp)

Gene: KCNH2. ClinVar aggregate classification (germline): Conflicting classifications of pathogenicity. Pathogenic (4); Likely pathogenic (4); Uncertain significance (1).

Submissions 8 to 10 of 10:

Women's Health and Genetics/Laboratory Corporation of America, LabCorp
Classification: Uncertain significance. Last evaluated: 2020-11-02. Review status: criteria provided, single submitter. Criteria: LabCorp Variant Classification Summary - May 2015. Collection method: clinical testing. Allele origin: germline.
Comment: Variant summary: KCNH2 c.1591C>T (p.Arg531Trp) results in a non-conservative amino acid change located in the Ion transport domain (S4 domain, Kapplinger_2009) of the encoded protein sequence. Five of five in-silico tools predict a damaging effect of the variant on protein function. The variant was absent in 238752 control chromosomes (gnomAD and publication data). The available data on variant occurrences in the general population are insufficient to allow any conclusion about variant significance. c.1591C>T has been reported in the literature in individuals affected with Long QT syndrome (Kapplinger_2009, Schmitt_2009, Lieve_2013, Ebbrahim_2017). These reports do not provide unequivocal conclusions about association of the variant with Arrhythmia. Functional studies report this variant altered channel current activation and inactivation (Subbiah_2005, McBride_2013). One ClinVar submitter (evaluation after 2014) cites the variant as uncertain significance. Based on the evidence outlined above, the variant was classified as uncertain significance.

Mayo Clinic Laboratories, Mayo Clinic
Classification: Likely pathogenic. Last evaluated: 2018-07-15. Review status: criteria provided, single submitter. Criteria: ACMG Guidelines, 2015. Collection method: clinical testing. Allele origin: germline.
Comment: PM1, PS4_moderate, PM2_supporting, PP3, PP2, PS3_supporting

Cardiovascular Biomedical Research Unit, Royal Brompton & Harefield NHS Foundation Trust
No classification provided. Condition: Familial long QT syndrome. Review status: no classification provided. Collection method: literature only. Allele origin: germline. Not counted in ClinVar's aggregate classification.
Comment: This variant has been reported as associated with Long QT syndrome in the following publications (PMID:19716085). This is a literature report, and does not necessarily reflect the clinical interpretation of the Imperial College / Royal Brompton Cardiovascular Genetics laboratory.

Literature cited by the submitters: PubMed 19716085 (cited by 7 submitters); PubMed 28532774 (cited by 5 submitters); PubMed 23546015 (cited by 6 submitters); PubMed 10753933 (cited by Victorian Clinical Genetics Services, Murdoch Childrens Research Institute); PubMed 10973849 (cited by Victorian Clinical Genetics Services, Murdoch Childrens Research Institute and Illumina Laboratory Services, Illumina); PubMed 16166152 (cited by 4 submitters); PubMed 19804510 (cited by 5 submitters); PubMed 20301308 (cited by Victorian Clinical Genetics Services, Murdoch Childrens Research Institute); PubMed 21777565 (cited by Victorian Clinical Genetics Services, Murdoch Childrens Research Institute); PubMed 25967940 (cited by Victorian Clinical Genetics Services, Murdoch Childrens Research Institute and Women's Health and Genetics/Laboratory Corporation of America, LabCorp); PubMed 32893267 (cited by Victorian Clinical Genetics Services, Murdoch Childrens Research Institute and All of Us Research Program, National Institutes of Health); PubMed 35091851 (cited by 3 submitters); PubMed 35911527 (cited by Victorian Clinical Genetics Services, Murdoch Childrens Research Institute); PubMed 23631430 (cited by 4 submitters); PubMed 36525500 (cited by All of Us Research Program, National Institutes of Health); PubMed 25417810 (cited by Women's Health and Genetics/Laboratory Corporation of America, LabCorp); PubMed 23980196 (cited by Women's Health and Genetics/Laboratory Corporation of America, LabCorp); PubMed 22581653 (cited by Cardiovascular Biomedical Research Unit, Royal Brompton & Harefield NHS Foundation Trust).